The following is an entry in ClinVar:

NM_001005361.3(DNM2):c.1196+677G>A

Gene: DNM2 (dynamin 2; plus strand). Cytogenetic location: 19p13.2.
Variant type: single nucleotide variant.
Coding change: c.1196+677G>A on transcript NM_001005361.3 (MANE Select); 677 bases into the intron after coding-DNA position 1196, G replaced by A.
Molecular consequence: intron variant. On other transcripts: missense variant (3).
Genome position (GRCh38, 1-based): chr19:10,796,116, G>A. VCF-style: chr19-10796116-G-A. GRCh37 (hg19) VCF-style: chr19-10906792-G-A.
Other names: c.1252G>A, p.Val418Ile (NM_001005360.3, NM_001190716.2, NM_004945.4); c.1196+677G>A (NM_001005362.3); short protein forms V418I.
Identifiers: ClinVar variation 702745 (VCV000702745.15), dbSNP rs763986985, ClinGen allele CA9201037.

ClinVar aggregate classification (germline): Conflicting classifications of pathogenicity. Review status: criteria provided, conflicting classifications (1 of 4 stars). 4 submissions from 4 submitters: Uncertain significance (2); Likely benign (2). Last evaluated 2026-01-11.

Conditions:
Inborn genetic diseases. Identifiers: MedGen C0950123, MeSH D030342.
Charcot-Marie-Tooth disease dominant intermediate B (CMTDIB). Also called: CHARCOT-MARIE-TOOTH NEUROPATHY, DOMINANT INTERMEDIATE B; Charcot-Marie-Tooth disease dominant intermediate 1; CMT DI1; Charcot-Marie-Tooth disease dominant intermediate I. Identifiers: Orphanet 100044, Orphanet 228179, MedGen C1847902, MONDO:0011674, OMIM 606482.

Allele frequency attached by ClinVar (database versions not stated): gnomAD 0.00001 and 0.00002; gnomAD exomes 0.00003 and 0.00006; TOPMed 0.00004; ExAC 0.00005.

Submissions (4):

Labcorp Genetics (formerly Invitae), Labcorp
Classification: Likely benign for Charcot-Marie-Tooth disease dominant intermediate B. Last evaluated: 2026-01-11. Review status: criteria provided, single submitter. Criteria: Invitae Variant Classification Sherloc (09022015). Collection method: clinical testing. Allele origin: germline.

Women's Health and Genetics/Laboratory Corporation of America, LabCorp
Classification: Likely benign. Last evaluated: 2025-05-09. Review status: criteria provided, single submitter. Criteria: LabCorp Variant Classification Summary - May 2015. Collection method: clinical testing. Allele origin: germline.
Comment: Variant summary: DNM2 c.1252G>A (p.Val418Ile) results in a conservative amino acid change in the encoded protein sequence. Algorithms developed to predict the effect of missense changes on protein structure and function are either unavailable or do not agree on the potential impact of this missense change. The variant allele was found at a frequency of 6e-05 in 251484 control chromosomes (gnomAD). The observed variant frequency is approximately 60 fold of the estimated maximal expected allele frequency for a pathogenic variant in DNM2 causing Charcot-Marie-Tooth disease dominant intermediate B phenotype (1e-06). To our knowledge, no occurrence of c.1252G>A in individuals affected with Charcot-Marie-Tooth disease dominant intermediate B and no experimental evidence demonstrating its impact on protein function have been reported. ClinVar contains an entry for this variant (Variation ID: 702745). Based on the evidence outlined above, the variant was classified as likely benign.

Ambry Genetics
Classification: Uncertain significance for Inborn genetic diseases. Last evaluated: 2022-12-16. Review status: criteria provided, single submitter. Criteria: Ambry Variant Classification Scheme 2023. Collection method: clinical testing. Allele origin: germline.
Comment: Unlikely to be causative of DNM2-related Charcot-Marie-Tooth disease (AD) Based on insufficient or conflicting evidence, the clinical significance of this alteration remains unclear.

Revvity Omics, Revvity
Classification: Uncertain significance. Last evaluated: 2020-12-08. Review status: criteria provided, single submitter. Criteria: ACMG Guidelines, 2015. Collection method: clinical testing. Allele origin: germline.

Literature cited by the submitters: PubMed 30146126 (cited by Ambry Genetics).